The following is an entry in ClinVar:

NM_198428.3(BBS9):c.-259G>A

Gene: BBS9 (Bardet-Biedl syndrome 9; plus strand). Cytogenetic location: 7p14.3.
Variant type: single nucleotide variant.
Coding change: c.-259G>A on transcript NM_198428.3 (MANE Select); 259 bases upstream of the start codon, G replaced by A.
Molecular consequence: 5 prime UTR variant. On other transcripts: non-coding transcript variant (1), intron variant (1).
Genome position (GRCh38, 1-based): chr7:33,129,794, G>A. VCF-style: chr7-33129794-G-A. GRCh37 (hg19) VCF-style: chr7-33169406-G-A.
Other names: c.-259G>A (NM_001033604.2, NM_001033605.2, NM_001348040.3 and 4 more transcripts); c.-560G>A (NM_001348037.3); c.-536G>A (NM_001348038.3, NM_001348039.3); c.-271G>A (NM_001348042.3); c.-286G>A (NM_001348044.3, NM_001348046.3); c.-437G>A (NM_001348045.3); c.-12+242G>A (NM_001348036.1).
Identifiers: ClinVar variation 360055 (VCV000360055.5), dbSNP rs73095326, ClinGen allele CA10626019.

ClinVar aggregate classification (germline): Benign (1 of 4 stars; one submission).

Conditions:
Bardet-Biedl syndrome 9 (BBS9). Identifiers: Orphanet 110, MedGen C1859567, MONDO:0014437, OMIM 615986.

Allele frequency attached by ClinVar (database versions not stated): 1000 Genomes Project 0.04673; 1000 Genomes Project 30x 0.04685; TOPMed 0.09301; gnomAD 0.10383 and 0.10731; gnomAD exomes 0.19484.
gnomAD v4.1: 15,948 of 152,500 alleles (10%); highest among the groups gnomAD compares: Non-Finnish European, 16%; 1,159 homozygotes.

Submission:

Illumina Laboratory Services, Illumina
Classification: Benign for Bardet-Biedl syndrome 9. Last evaluated: 2018-01-12. Review status: criteria provided, single submitter. Criteria: ICSL Variant Classification Criteria 13 December 2019. Collection method: clinical testing. Allele origin: germline.
Comment: This variant was observed in the ICSL laboratory as part of a predisposition screen in an ostensibly healthy population. It had not been previously curated by ICSL or reported in the Human Gene Mutation Database (HGMD: prior to June 1st, 2018), and was therefore a candidate for classification through an automated scoring system. Utilizing variant allele frequency, disease prevalence and penetrance estimates, and inheritance mode, an automated score was calculated to assess if this variant is too frequent to cause the disease. Based on the score and internal cut-off values, a variant classified as benign is not then subjected to further curation. The score for this variant resulted in a classification of benign for this disease.